The following is an entry in ClinVar:

ClinVar aggregate classification (germline): Conflicting classifications of pathogenicity. Review status: criteria provided, conflicting classifications (1 of 4 stars). 11 submissions from 11 submitters: Uncertain significance (1); Benign (2); Likely benign (2). 6 of the submissions do not count toward it. Last evaluated 2023-09-14.

Conditions:
MYO1A-related disorder. Also called: MYO1A-related condition.
Autosomal dominant nonsyndromic hearing loss 48. Also called: DEAFNESS, AUTOSOMAL DOMINANT 48. Identifiers: Orphanet 90635, MedGen C1842939, MONDO:0011920, OMIM 607841.

Allele frequency attached by ClinVar (database versions not stated): 1000 Genomes Project 0.00060; 1000 Genomes Project 30x 0.00094; TOPMed 0.00325.

Submissions (11):

ARUP Laboratories, Molecular Genetics and Genomics, ARUP Laboratories
Classification: Benign. Last evaluated: 2023-09-14. Review status: criteria provided, single submitter. Criteria: ARUP Molecular Germline Variant Investigation Process 2024. Collection method: clinical testing. Allele origin: germline.

CeGaT Center for Human Genetics Tuebingen
Classification: Likely benign. Last evaluated: 2022-07-01. Review status: criteria provided, single submitter. Criteria: CeGaT Center For Human Genetics Tuebingen Variant Classification Criteria Version 2. Collection method: clinical testing. Allele origin: germline. Affected: yes. Observed: 1 variant allele.
Comment: MYO1A: BS1

GeneDx
Classification: Benign. Last evaluated: 2018-07-02. Review status: criteria provided, single submitter. Criteria: GeneDx Variant Classification Process June 2021. Collection method: clinical testing. Allele origin: germline. Affected: yes.
Comment: This variant is associated with the following publications: (PMID: 29308629, 27759032, 25262649, 24616153, 26086970, 12736868, 25525159)

Eurofins Ntd Llc (ga)
Classification: Likely benign. Last evaluated: 2016-04-12. Review status: criteria provided, single submitter. Criteria: EGL Classification Definitions 2015. Collection method: clinical testing. Allele origin: germline. Observed: 2 variant alleles, 2 heterozygotes.

Laboratory for Molecular Medicine, Mass General Brigham Personalized Medicine
Classification: Uncertain significance. Last evaluated: 2013-11-19. Review status: criteria provided, single submitter. Criteria: LMM Criteria. Collection method: clinical testing. Allele origin: germline. Observed: 1 variant allele.
Comment: Variant classified as Uncertain Significance - Favor Benign. It has also been identified in 0.5% (4 5/8600) of European American chromosomes and 0.07% (3/4406) of African American chromosomes by the NHLBI Exome Sequencing Project (EVS/), as well as in 0.8% (1/120) of Colombian chromosomes by the 1000 Genomes P roject (dbSNP rs121909305). This nonsense variant leads to a premature terminati on codon at position 93, which is predicted to lead to a truncated or absent pro tein. However, it is unclear whether loss of function variants in MYO1A are caus ative for hearing loss. In summary, although we cannot rule out that this varian t may be causative for dominant hearing loss with low penetrance and/or variable expressivity, based upon its high frequency in the general population and its p resence in an unaffected family member of an individual with hearing loss, we wo uld lean towards a more likely benign role.

PreventionGenetics, part of Exact Sciences
Classification: Likely benign for MYO1A-related condition. Last evaluated: 2020-02-26. Review status: no assertion criteria provided. Collection method: clinical testing. Allele origin: germline. Not counted in ClinVar's aggregate classification.
Comment: This variant is classified as likely benign based on ACMG/AMP sequence variant interpretation guidelines (Richards et al. 2015 PMID: 25741868, with internal and published modifications).

Biesecker Lab/Clinical Genomics Section, National Institutes of Health
Classification: Likely benign for Autosomal dominant nonsyndromic hearing loss 48. Last evaluated: 2016-05-10. Review status: no assertion criteria provided. Collection method: research. Allele origin: germline. Affected: no. Observed: 4 heterozygotes. Clinical features observed: Auditory acuity. Study: ClinSeq. Not counted in ClinVar's aggregate classification.

OMIM
Classification: Uncertain significance for RECLASSIFIED - VARIANT OF UNKNOWN SIGNIFICANCE. Last evaluated: 2014-05-01. Review status: no assertion criteria provided. Collection method: literature only. Allele origin: germline. Not counted in ClinVar's aggregate classification.

Clinical Genetics DNA and cytogenetics Diagnostics Lab, Erasmus MC, Erasmus Medical Center
Classification: Likely benign. Review status: no assertion criteria provided. Collection method: clinical testing. Allele origin: germline. Affected: yes. Study: VKGL Data-share Consensus. Not counted in ClinVar's aggregate classification.

Clinical Genetics, Academic Medical Center
Classification: Likely benign. Review status: no assertion criteria provided. Collection method: clinical testing. Allele origin: germline. Affected: yes. Study: VKGL Data-share Consensus. Not counted in ClinVar's aggregate classification.

Diagnostic Laboratory, Department of Genetics, University Medical Center Groningen
Classification: Likely benign. Review status: no assertion criteria provided. Collection method: clinical testing. Allele origin: germline. Affected: yes. Study: VKGL Data-share Consensus. Not counted in ClinVar's aggregate classification.

Literature cited by the submitters: PubMed 12736868 (cited by Laboratory for Molecular Medicine, Mass General Brigham Personalized Medicine and OMIM); PubMed 24616153 (cited by OMIM).

NM_005379.4(MYO1A):c.277C>T (p.Arg93Ter)

Genes: MYO1A (myosin IA; minus strand), LOC126861538 (BRD4-independent group 4 enhancer GRCh37_chr12:57440635-57441834; plus strand). Cytogenetic location: 12q13.3.
Variant type: single nucleotide variant.
Coding change: c.277C>T on transcript NM_005379.4 (MANE Select); coding-DNA position 277, C replaced by T.
Protein change: p.Arg93Ter; replaces arginine 93 with a stop codon.
Molecular consequence: nonsense.
Genome position (GRCh38, 1-based): chr12:57,047,675, G>A on the plus strand (C>T on the coding strand, the complement: MYO1A is on the minus strand). VCF-style: chr12-57047675-G-A. GRCh37 (hg19) VCF-style: chr12-57441459-G-A.
Other names: c.277C>T, p.Arg93Ter (NM_001256041.2); short protein forms R93*.
Identifiers: ClinVar variation 8146 (VCV000008146.52), dbSNP rs121909305, ClinGen allele CA177323.